The following is an entry in ClinVar:

ClinVar aggregate classification (germline): Uncertain significance. Review status: criteria provided, multiple submitters, no conflicts (2 of 4 stars). 2 submissions from 2 submitters: Uncertain significance (2). Last evaluated 2025-03-31.

Submissions (2):

Dasa
Classification: Uncertain significance. Last evaluated: 2025-03-31. Review status: criteria provided, single submitter. Criteria: DASA Assertion Criteria. Collection method: clinical testing. Allele origin: germline.
Comment: NM_020366.4(RPGRIP1):c.1550T>G (p.Leu517Trp) is a missense variant that results in the substitution of leucine with tryptophan. This variant is rare in population databases. The currently available literature and clinical evidence are not sufficient to establish a definitive association between this variant and the reported condition. Therefore, this variant is classified as a variant of uncertain significance.

Blueprint Genetics
Classification: Uncertain significance. Last evaluated: 2021-06-01. Review status: criteria provided, single submitter. Criteria: ACMG Guidelines, 2015. Collection method: clinical testing. Allele origin: germline.

NM_020366.4(RPGRIP1):c.1550T>G (p.Leu517Trp)

Gene: RPGRIP1 (RPGR interacting protein 1; plus strand). Cytogenetic location: 14q11.2.
Variant type: single nucleotide variant.
Coding change: c.1550T>G on transcript NM_020366.4 (MANE Select); coding-DNA position 1550, T replaced by G.
Protein change: p.Leu517Trp; replaces leucine 517 with tryptophan.
Molecular consequence: missense variant. On other transcripts: 5 prime UTR variant (1).
Genome position (GRCh38, 1-based): chr14:21,321,341, T>G. VCF-style: chr14-21321341-T-G. GRCh37 (hg19) VCF-style: chr14-21789500-T-G.
Other names: c.476T>G, p.Leu159Trp (NM_001377523.1, NM_001377948.1, NM_001377949.1 and 1 more transcripts); c.-23T>G (NM_001377951.1); short protein forms L159W, L517W.
Identifiers: ClinVar variation 4882994 (VCV004882994.3).